The following is an entry in ClinVar:

NM_001374736.1(DST):c.20576A>T (p.His6859Leu)

Gene: DST (dystonin; minus strand). Cytogenetic location: 6p12.1.
Variant type: single nucleotide variant.
Coding change: c.20576A>T on transcript NM_001374736.1 (MANE Select); coding-DNA position 20576, A replaced by T.
Protein change: p.His6859Leu; replaces histidine 6859 with leucine.
Molecular consequence: missense variant.
Genome position (GRCh38, 1-based): chr6:56,492,408, T>A on the plus strand (A>T on the coding strand, the complement: DST is on the minus strand). VCF-style: chr6-56492408-T-A. GRCh37 (hg19) VCF-style: chr6-56357206-T-A.
Other names: c.14219A>T, p.His4740Leu (NM_001144769.5); c.13805A>T, p.His4602Leu (NM_001144770.2); c.20576A>T, p.His6859Leu (NM_001374722.1); c.19616A>T, p.His6539Leu (NM_001374729.1); c.13358A>T, p.His4453Leu (NM_001374730.1); c.20603A>T, p.His6868Leu (NM_001374734.1); c.13685A>T, p.His4562Leu (NM_001386100.1, NM_183380.4); c.12707A>T, p.His4236Leu (NM_015548.5); short protein forms H4236L, H4453L, H4740L, H6859L, H4562L, H4602L, H6539L, H6868L.
Identifiers: ClinVar variation 1900092 (VCV001900092.2), dbSNP rs367820554, ClinGen allele CA139186784.
Genomic context (GRCh38, chr6:56,492,408, plus strand): 5'-TTCTGACTAAAATATTTTAGGTGGGTTCCAGTTTTGTCCAGCTCTATTATCTGCTCACGA[T>A]GAGAATTTACTTCATTGGCAAAAACCTTTCCCAGAAAAAAAGGAAATAAGTAGAAACAAA-3'
Protein context (NP_001361665.1, residues 6849-6869): HKVFANEVNS[His6859Leu]REQIIELDKT

ClinVar aggregate classification (germline): Uncertain significance (1 of 4 stars; one submission).

Conditions:
Hereditary sensory and autonomic neuropathy type 6. Also called: HSAN VI; Neuropathy, hereditary sensory and autonomic, type VI. Identifiers: Orphanet 314381, MedGen C3539003, MONDO:0013839, OMIM 614653.
Epidermolysis bullosa simplex 3, localized or generalized intermediate, with BP230 deficiency (EBS3). Also called: Epidermolysis bullosa simplex, autosomal recessive 2; Epidermolysis bullosa simplex due to BP230 deficiency. Identifiers: Orphanet 412181, MedGen C3809470, MONDO:0014180, OMIM 615425.

Allele frequency attached by ClinVar (database versions not stated): gnomAD exomes below 0.00001; gnomAD 0.00003; TOPMed 0.00005; ESP Exome Variant Server 0.00009.
gnomAD v4.1: 8 of 1,613,184 alleles (0.0005%); highest among the groups gnomAD compares: African/African-American, 0.0094%; no homozygotes.

Submission:

Labcorp Genetics (formerly Invitae), Labcorp
Classification: Uncertain significance for Epidermolysis bullosa simplex 3, localized or generalized intermediate, with BP230 deficiency; Hereditary sensory and autonomic neuropathy type 6. Last evaluated: 2022-08-21. Review status: criteria provided, single submitter. Criteria: Invitae Variant Classification Sherloc (09022015). Collection method: clinical testing. Allele origin: germline.
Comment: The DST gene has multiple clinically relevant transcripts. This variant occurs in alternate transcript NM_015548.4, and corresponds to NM_001723.5:c.*123109A>T in the primary transcript. This sequence change replaces histidine, which is basic and polar, with leucine, which is neutral and non-polar, at codon 4236 of the DST protein (p.His4236Leu). This variant is present in population databases (rs367820554, gnomAD 0.007%). This variant has not been reported in the literature in individuals affected with DST-related conditions. Experimental studies and prediction algorithms are not available or were not evaluated, and the functional significance of this variant is currently unknown. In summary, the available evidence is currently insufficient to determine the role of this variant in disease. Therefore, it has been classified as a Variant of Uncertain Significance.